The following is an entry in ClinVar:

NM_000492.4(CFTR):c.2392C>T (p.Pro798Ser)

Gene: CFTR (CF transmembrane conductance regulator; plus strand). Cytogenetic location: 7q31.2.
Variant type: single nucleotide variant.
Coding change: c.2392C>T on transcript NM_000492.4 (MANE Select); coding-DNA position 2392, C replaced by T.
Protein change: p.Pro798Ser; replaces proline 798 with serine.
Molecular consequence: missense variant.
Genome position (GRCh38, 1-based): chr7:117,592,559, C>T. VCF-style: chr7-117592559-C-T. GRCh37 (hg19) VCF-style: chr7-117232613-C-T.
Other names: short protein forms P798S.
Identifiers: ClinVar variation 35841 (VCV000035841.23), dbSNP rs138069616, ClinGen allele CA260215.

ClinVar aggregate classification (germline): Uncertain significance. Review status: criteria provided, multiple submitters, no conflicts (2 of 4 stars). 10 submissions from 10 submitters: Uncertain significance (9). 1 of the submissions does not count toward it. Last evaluated 2025-01-29.

Conditions:
CFTR-related disorder (CFTR-RD). Also called: CFTR-related condition; CFTR-related disorders. Identifiers: MedGen C5924204, MONDO:7770004.
Cystic fibrosis (CF). Also called: MUCOVISCIDOSIS. Identifiers: Orphanet 586, MedGen C0010674, MONDO:0009061, OMIM 219700. Disease mechanism: loss of function.

Allele frequency attached by ClinVar (database versions not stated): gnomAD 0.00002 and 0.00003; TOPMed 0.00002; gnomAD exomes 0.00001; ESP Exome Variant Server 0.00008.
gnomAD v4.1: 67 of 1,520,656 alleles (0.0044%); highest among the groups gnomAD compares: Non-Finnish European, 0.0055%; no homozygotes.

Submissions (10):

Labcorp Genetics (formerly Invitae), Labcorp
Classification: Uncertain significance for Cystic fibrosis. Last evaluated: 2025-01-29. Review status: criteria provided, single submitter. Criteria: Invitae Variant Classification Sherloc (09022015). Collection method: clinical testing. Allele origin: germline.
Comment: This sequence change replaces proline, which is neutral and non-polar, with serine, which is neutral and polar, at codon 798 of the CFTR protein (p.Pro798Ser). This variant is present in population databases (rs138069616, gnomAD 0.005%). This missense change has been observed in individual(s) with CFTR-related conditions (PMID: 25735457). ClinVar contains an entry for this variant (Variation ID: 35841). Invitae Evidence Modeling of protein sequence and biophysical properties (such as structural, functional, and spatial information, amino acid conservation, physicochemical variation, residue mobility, and thermodynamic stability) indicates that this missense variant is not expected to disrupt CFTR protein function with a negative predictive value of 80%. In summary, the available evidence is currently insufficient to determine the role of this variant in disease. Therefore, it has been classified as a Variant of Uncertain Significance.

GeneDx
Classification: Uncertain significance. Last evaluated: 2023-07-17. Review status: criteria provided, single submitter. Criteria: GeneDx Variant Classification Process June 2021. Collection method: clinical testing. Allele origin: germline. Affected: yes.
Comment: Identified in a patient with cystic fibrosis in published literature; however, this individual also harbored several other CFTR variants of unknown phase (Sharma et al., 2013); In silico analysis supports that this missense variant has a deleterious effect on protein structure/function; This variant is associated with the following publications: (PMID: 25735457, 22550062)

Ambry Genetics
Classification: Uncertain significance for Cystic fibrosis. Last evaluated: 2023-06-23. Review status: criteria provided, single submitter. Criteria: Ambry Variant Classification Scheme 2023. Collection method: clinical testing. Allele origin: germline.
Comment: The p.P798S variant (also known as c.2392C>T), located in coding exon 14 of the CFTR gene, results from a C to T substitution at nucleotide position 2392. The proline at codon 798 is replaced by serine, an amino acid with similar properties. An individual diagnosed with cystic fibrosis was reported to be heterozygous for this variant, in addition to the p.F508del pathogenic mutation and three other variants of unknown significance (p.R74W, p.D1270N, p.G921E). The phase (cis vs trans) of these alterations was not determined (Sharma G, Pediatr. Pulmonol. 2013 Mar; 48(3):236-44). This amino acid position is highly conserved in available vertebrate species. In addition, the in silico prediction for this alteration is inconclusive. Since supporting evidence is limited at this time, the clinical significance of this variant remains unclear.

Blueprint Genetics
Classification: Uncertain significance. Last evaluated: 2022-06-24. Review status: criteria provided, single submitter. Criteria: ACMG Guidelines, 2015. Collection method: clinical testing. Allele origin: germline.

Johns Hopkins Genomics, Johns Hopkins University
Classification: Uncertain significance for Cystic fibrosis. Last evaluated: 2022-06-15. Review status: criteria provided, single submitter. Criteria: ACMG Guidelines, 2015. Collection method: clinical testing. Allele origin: germline.
Comment: CFTR c.2392C>T has been identified in multiple individuals with features of cystic fibrosis; however, each individual carries multiple CFTR variants and the contribution of this variant to their phenotype is uncertain. This CFTR variant (rs138069616) is rare (<0.1%) in a large population dataset (gnomAD: 2/180160 total alleles; 0.001%; no homozygotes) and it has been reported in ClinVar (Variation ID: 35841). Of three bioinformatics tools queried, two predict that this substitution would be tolerated, while one predicts that it would be damaging. The proline residue at this position is conserved in most species assessed, although a serine is present at this position in Xenopus tropicalis. We consider the clinical significance of CFTR c.2392C>T to be uncertain at this time.

Women's Health and Genetics/Laboratory Corporation of America, LabCorp
Classification: Uncertain significance. Last evaluated: 2022-03-23. Review status: criteria provided, single submitter. Criteria: LabCorp Variant Classification Summary - May 2015. Collection method: clinical testing. Allele origin: germline.
Comment: Variant summary: CFTR c.2392C>T (p.Pro798Ser) results in a non-conservative amino acid change located in the CFTR regulator domain (IPR025837) of the encoded protein sequence. Three of five in-silico tools predict a damaging effect of the variant on protein function. The variant allele was found at a frequency of 1.1e-05 in 180160 control chromosomes (gnomAD). The available data on variant occurrences in the general population are insufficient to allow any conclusion about variant significance. This complex genotype (phase not specified) has also been reported in the literature in an individual affected with CF (Sharma_2013). The co-occurring complex allele, c.[220C>T;3808G>A] (p.[Arg74Trp;Asp1270Asn]), has been classified as a VUS-possibly pathogenic variant by our laboratory (Variation ID: 977735). Five clinical diagnostic laboratories have submitted clinical-significance assessments for this variant to ClinVar after 2014 and all laboratories classified the variant as uncertain significance. Based on the evidence outlined above, the variant was classified as uncertain significance.

Genome-Nilou Lab
Classification: Uncertain significance for Cystic fibrosis. Last evaluated: 2021-09-05. Review status: criteria provided, single submitter. Criteria: ACMG Guidelines, 2015. Collection method: clinical testing. Allele origin: germline. Affected: no.

ARUP Laboratories, Molecular Genetics and Genomics, ARUP Laboratories
Classification: Uncertain significance. Last evaluated: 2020-05-29. Review status: criteria provided, single submitter. Criteria: ARUP Molecular Germline Variant Investigation Process. Collection method: clinical testing. Allele origin: germline.
Comment: The CFTR c.2392C>T; p.Pro798Ser variant (rs138069616) is reported in the literature in one individual with cystic fibrosis who also carried additional pathogenic variants (Sharma 2013), but the phase and significance of the variants were not determined. The variant is reported in the ClinVar database (Variation ID: 35841) and is listed in the general population with an overall allele frequency of 0.001% (2/180,160 alleles) in the Genome Aggregation Database. The proline at codon 798 is moderately conserved and computational analyses (SIFT, PolyPhen-2) predict that this variant is tolerated. Due to limited information, the clinical significance of the p.Pro798Ser variant is uncertain at this time. References: Sharma G et al. Reduced Arylsulfatase B Activity in Leukocytes From Cystic Fibrosis Patients. Pediatr Pulmonol. 2013 Mar;48(3):236-44.

Eurofins Ntd Llc (ga)
Classification: Uncertain significance. Last evaluated: 2017-01-27. Review status: criteria provided, single submitter. Criteria: EGL Classification Definitions 2015. Collection method: clinical testing. Allele origin: germline. Observed: 1 variant allele, 1 heterozygote.

Natera, Inc.
Classification: Uncertain significance for CFTR-related disorders. Last evaluated: 2018-09-14. Review status: no assertion criteria provided. Collection method: clinical testing. Allele origin: germline. Not counted in ClinVar's aggregate classification.

Literature cited by the submitters: PubMed 25735457 (cited by Labcorp Genetics (formerly Invitae), Labcorp and Women's Health and Genetics/Laboratory Corporation of America, LabCorp); PubMed 22550062 (cited by 3 submitters).